The following is an entry in ClinVar:

ClinVar aggregate classification (germline): Likely benign. Review status: criteria provided, multiple submitters, no conflicts (2 of 4 stars). 2 submissions from 2 submitters: Likely benign (2). Last evaluated 2025-05-12.

Conditions:
Tuberous sclerosis 2 (TSC2). Identifiers: Orphanet 805, MedGen C1860707, MONDO:0013199, OMIM 613254.

Submissions (2):

Myriad Genetics, Inc.
Classification: Likely benign for Tuberous sclerosis 2. Last evaluated: 2025-05-12. Review status: criteria provided, single submitter. Criteria: Myriad Autosomal Dominant, Autosomal Recessive and X-Linked Classification Criteria (2023). Collection method: clinical testing. Allele origin: unknown.
Comment: This variant is considered likely benign. This variant is intronic and is not expected to impact mRNA splicing.

Labcorp Genetics (formerly Invitae), Labcorp
Classification: Likely benign for Tuberous sclerosis 2. Last evaluated: 2024-07-13. Review status: criteria provided, single submitter. Criteria: Invitae Variant Classification Sherloc (09022015). Collection method: clinical testing. Allele origin: germline.

NM_000548.5(TSC2):c.848+9G>A

Gene: TSC2 (TSC complex subunit 2; plus strand). Cytogenetic location: 16p13.3.
Variant type: single nucleotide variant.
Coding change: c.848+9G>A on transcript NM_000548.5 (MANE Select); 9 bases into the intron after coding-DNA position 848, G replaced by A.
Molecular consequence: intron variant.
Genome position (GRCh38, 1-based): chr16:2,057,187, G>A. VCF-style: chr16-2057187-G-A. GRCh37 (hg19) VCF-style: chr16-2107188-G-A.
Other names: c.848+9G>A (NM_001114382.3, NM_021055.3, NM_001370405.1 and 3 more transcripts); c.737+9G>A (NM_001318827.2); c.248+9G>A (NM_001318831.2); c.701+9G>A (NM_001318829.2); c.881+9G>A (NM_001318832.2).
Identifiers: ClinVar variation 1077827 (VCV001077827.10), dbSNP rs1158054515, ClinGen allele CA620373202.